The following is an entry in ClinVar:

ClinVar aggregate classification (germline): Uncertain significance (1 of 4 stars; one submission).

Conditions:
Inborn genetic diseases. Identifiers: MedGen C0950123, MeSH D030342.

Submission:

Ambry Genetics
Classification: Uncertain significance for Inborn genetic diseases. Last evaluated: 2025-01-23. Review status: criteria provided, single submitter. Criteria: Ambry Variant Classification Scheme 2023. Collection method: clinical testing. Allele origin: germline.
Comment: The p.T740I variant (also known as c.2219C>T), located in coding exon 12 of the BMPR2 gene, results from a C to T substitution at nucleotide position 2219. The threonine at codon 740 is replaced by isoleucine, an amino acid with similar properties. This amino acid position is conserved. In addition, this alteration is predicted to be tolerated by in silico analysis. Based on the available evidence, the clinical significance of this variant remains unclear.

NM_001204.7(BMPR2):c.2219C>T (p.Thr740Ile)

Gene: BMPR2 (bone morphogenetic protein receptor type 2; plus strand). Cytogenetic location: 2q33.2.
Variant type: single nucleotide variant.
Coding change: c.2219C>T on transcript NM_001204.7 (MANE Select); coding-DNA position 2219, C replaced by T.
Protein change: p.Thr740Ile; replaces threonine 740 with isoleucine.
Molecular consequence: missense variant.
Genome position (GRCh38, 1-based): chr2:202,555,884, C>T. VCF-style: chr2-202555884-C-T. GRCh37 (hg19) VCF-style: chr2-203420607-C-T.
Other names: short protein forms T740I.
Identifiers: ClinVar variation 3824858 (VCV003824858.1).